The following is an entry in ClinVar:

NM_000111.3(SLC26A3):c.1039G>T (p.Ala347Ser)

Gene: SLC26A3 (solute carrier family 26 member 3; minus strand). Cytogenetic location: 7q22.3.
Variant type: single nucleotide variant.
Coding change: c.1039G>T on transcript NM_000111.3 (MANE Select); coding-DNA position 1039, G replaced by T.
Protein change: p.Ala347Ser; replaces alanine 347 with serine.
Molecular consequence: missense variant.
Genome position (GRCh38, 1-based): chr7:107,783,285, C>A on the plus strand (G>T on the coding strand, the complement: SLC26A3 is on the minus strand). VCF-style: chr7-107783285-C-A. GRCh37 (hg19) VCF-style: chr7-107423730-C-A.
Other names: c.1039G>T (NM_000111.2); short protein forms A347S.
Identifiers: ClinVar variation 1524307 (VCV001524307.9), dbSNP rs773932967, ClinGen allele CA368852145.

ClinVar aggregate classification (germline): Uncertain significance (1 of 4 stars; one submission).

Conditions:
Congenital secretory diarrhea, chloride type (DIAR1). Also called: CHLORIDE DIARRHEA, CONGENITAL, FINNISH TYPE; DIARRHEA 1, SECRETORY CHLORIDE, CONGENITAL; CHLORIDORRHEA, CONGENITAL. Identifiers: Orphanet 53689, MedGen C0267662, MONDO:0008964, OMIM 214700.

Submission:

Labcorp Genetics (formerly Invitae), Labcorp
Classification: Uncertain significance. Last evaluated: 2021-04-08. Review status: criteria provided, single submitter. Criteria: Invitae Variant Classification Sherloc (09022015). Collection method: clinical testing. Allele origin: germline.
Comment: This variant is not present in population databases (ExAC no frequency). This variant has not been reported in the literature in individuals with SLC26A3-related conditions. Algorithms developed to predict the effect of missense changes on protein structure and function are either unavailable or do not agree on the potential impact of this missense change (SIFT: "Tolerated"; PolyPhen-2: "Probably Damaging"; Align-GVGD: "Class C0"). In summary, the available evidence is currently insufficient to determine the role of this variant in disease. Therefore, it has been classified as a Variant of Uncertain Significance. This sequence change replaces alanine with serine at codon 347 of the SLC26A3 protein (p.Ala347Ser). The alanine residue is moderately conserved and there is a moderate physicochemical difference between alanine and serine.